The following is an entry in ClinVar:

ClinVar aggregate classification (germline): Uncertain significance. Review status: criteria provided, multiple submitters, no conflicts (2 of 4 stars). 2 submissions from 2 submitters: Uncertain significance (2). Last evaluated 2025-12-20.

Conditions:
Inborn genetic diseases. Identifiers: MedGen C0950123, MeSH D030342.

Allele frequency attached by ClinVar (database versions not stated): ExAC 0.00001; gnomAD exomes 0.00002 and 0.00004; TOPMed 0.00002; gnomAD 0.00004.
gnomAD v4.1: 64 of 1,599,778 alleles (0.004%); highest among the groups gnomAD compares: African/African-American, 0.0054%; no homozygotes.

Submissions (2):

Labcorp Genetics (formerly Invitae), Labcorp
Classification: Uncertain significance. Last evaluated: 2025-12-20. Review status: criteria provided, single submitter. Criteria: Invitae Variant Classification Sherloc (09022015). Collection method: clinical testing. Allele origin: germline.
Comment: This sequence change replaces glutamic acid, which is acidic and polar, with lysine, which is basic and polar, at codon 130 of the PMP2 protein (p.Glu130Lys). The frequency data for this variant in the population databases is considered unreliable, as metrics indicate poor data quality at this position in the gnomAD database. This variant has not been reported in the literature in individuals affected with PMP2-related conditions. ClinVar contains an entry for this variant (Variation ID: 1468497). An algorithm developed to predict the effect of missense changes on protein structure and function (PolyPhen-2) suggests that this variant is likely to be tolerated. In summary, the available evidence is currently insufficient to determine the role of this variant in disease. Therefore, it has been classified as a Variant of Uncertain Significance.

Ambry Genetics
Classification: Uncertain significance for Inborn genetic diseases. Last evaluated: 2023-04-26. Review status: criteria provided, single submitter. Criteria: Ambry Variant Classification Scheme 2023. Collection method: clinical testing. Allele origin: germline.

NM_002677.5(PMP2):c.388G>A (p.Glu130Lys)

Gene: PMP2 (peripheral myelin protein 2; minus strand). Cytogenetic location: 8q21.13.
Variant type: single nucleotide variant.
Coding change: c.388G>A on transcript NM_002677.5 (MANE Select); coding-DNA position 388, G replaced by A.
Protein change: p.Glu130Lys; replaces glutamic acid 130 with lysine.
Molecular consequence: missense variant. On other transcripts: 3 prime UTR variant (1).
Genome position (GRCh38, 1-based): chr8:81,443,409, C>T on the plus strand (G>A on the coding strand, the complement: PMP2 is on the minus strand). VCF-style: chr8-81443409-C-T. GRCh37 (hg19) VCF-style: chr8-82355644-C-T.
Other names: c.388G>A (NM_002677.3); c.*32G>A (NM_001348381.2); short protein forms E130K.
Identifiers: ClinVar variation 1468497 (VCV001468497.7), dbSNP rs532046874, ClinGen allele CA4791887.